The following is an entry in ClinVar:

ClinVar aggregate classification (germline): Uncertain significance. Review status: criteria provided, multiple submitters, no conflicts (2 of 4 stars). 2 submissions from 2 submitters: Uncertain significance (2). Last evaluated 2025-10-06.

Conditions:
Polycystic liver disease 4 with or without kidney cysts. Identifiers: MedGen C4693479, MONDO:0044327, OMIM 617875.
Exudative vitreoretinopathy 4 (EVR4). Identifiers: Orphanet 891, MedGen C1866176, MONDO:0011151, OMIM 601813.
Worth disease. Also called: Autosomal dominant osteosclerosis, Worth type; ENDOSTEAL HYPEROSTOSIS, AUTOSOMAL DOMINANT; OSTEOSCLEROSIS, AUTOSOMAL DOMINANT. Identifiers: Orphanet 2790, MedGen C0432273, MONDO:0007764, OMIM 144750.
Bone mineral density quantitative trait locus 1 (BMND1). Identifiers: MedGen C1866079, OMIM 601884.
Autosomal dominant osteopetrosis 1 (OPTA1). Also called: OSTEOPETROSIS, AUTOSOMAL DOMINANT, TYPE I. Identifiers: Orphanet 2783, MedGen C1843330, MONDO:0011877, OMIM 607634.
Osteoporosis with pseudoglioma (OPPG). Also called: osteoporosis-pseudoglioma syndrome. Identifiers: Orphanet 2788, MedGen C0432252, MONDO:0009820, OMIM 259770.

gnomAD v4.1: 8 of 1,614,064 alleles (0.0005%); highest among the groups gnomAD compares: Non-Finnish European, 0.00068%; no homozygotes.

Submissions (2):

Labcorp Genetics (formerly Invitae), Labcorp
Classification: Uncertain significance. Last evaluated: 2025-10-06. Review status: criteria provided, single submitter. Criteria: Invitae Variant Classification Sherloc (09022015). Collection method: clinical testing. Allele origin: germline.
Comment: This sequence change replaces glycine, which is neutral and non-polar, with aspartic acid, which is acidic and polar, at codon 1019 of the LRP5 protein (p.Gly1019Asp). This variant is not present in population databases (gnomAD no frequency). This variant has not been reported in the literature in individuals affected with LRP5-related conditions. ClinVar contains an entry for this variant (Variation ID: 3600224). Invitae Evidence Modeling of protein sequence and biophysical properties (such as structural, functional, and spatial information, amino acid conservation, physicochemical variation, residue mobility, and thermodynamic stability) indicates that this missense variant is not expected to disrupt LRP5 protein function with a negative predictive value of 95%. In summary, the available evidence is currently insufficient to determine the role of this variant in disease. Therefore, it has been classified as a Variant of Uncertain Significance.

Fulgent Genetics
Classification: Uncertain significance for Worth disease; Osteoporosis with pseudoglioma; Exudative vitreoretinopathy 4; Bone mineral density quantitative trait locus 1; Autosomal dominant osteopetrosis 1; Polycystic liver disease 4 with or without kidney cysts. Last evaluated: 2024-06-12. Review status: criteria provided, single submitter. Criteria: ACMG Guidelines, 2015. Collection method: clinical testing. Allele origin: germline.

NM_002335.4(LRP5):c.3056G>A (p.Gly1019Asp)

Gene: LRP5 (LDL receptor related protein 5; plus strand). Cytogenetic location: 11q13.2.
Variant type: single nucleotide variant.
Coding change: c.3056G>A on transcript NM_002335.4 (MANE Select); coding-DNA position 3056, G replaced by A.
Protein change: p.Gly1019Asp; replaces glycine 1019 with aspartic acid.
Molecular consequence: missense variant.
Genome position (GRCh38, 1-based): chr11:68,423,517, G>A. VCF-style: chr11-68423517-G-A. GRCh37 (hg19) VCF-style: chr11-68190985-G-A.
Other names: c.1313G>A, p.Gly438Asp (NM_001291902.2); short protein forms G438D, G1019D.
Identifiers: ClinVar variation 3600224 (VCV003600224.2).